The following is an entry in ClinVar:

NM_001069.3(TUBB2A):c.406A>G (p.Thr136Ala)

Gene: TUBB2A (tubulin beta 2A class IIa; minus strand). Cytogenetic location: 6p25.2.
Variant type: single nucleotide variant.
Coding change: c.406A>G on transcript NM_001069.3 (MANE Select); coding-DNA position 406, A replaced by G.
Protein change: p.Thr136Ala; replaces threonine 136 with alanine.
Molecular consequence: missense variant.
Genome position (GRCh38, 1-based): chr6:3,154,795, T>C on the plus strand (A>G on the coding strand, the complement: TUBB2A is on the minus strand). VCF-style: chr6-3154795-T-C. GRCh37 (hg19) VCF-style: chr6-3155029-T-C.
Other names: c.151A>G, p.Thr51Ala (NM_001310315.2); c.406A>G (NM_001069.2); short protein forms T136A, T51A.
Identifiers: ClinVar variation 3690472 (VCV003690472.3).

ClinVar aggregate classification (germline): Uncertain significance. Review status: criteria provided, multiple submitters, no conflicts (2 of 4 stars). 2 submissions from 2 submitters: Uncertain significance (2). Last evaluated 2025-04-16.

Submissions (2):

GeneDx
Classification: Uncertain significance. Last evaluated: 2025-04-16. Review status: criteria provided, single submitter. Criteria: GeneDx Variant Classification Process June 2021. Collection method: clinical testing. Allele origin: germline. Affected: yes.
Comment: Not observed at significant frequency in large population cohorts (gnomAD); In silico analysis indicates that this missense variant does not alter protein structure/function; Has not been previously published as pathogenic or benign to our knowledge

Labcorp Genetics (formerly Invitae), Labcorp
Classification: Uncertain significance. Last evaluated: 2024-07-11. Review status: criteria provided, single submitter. Criteria: Invitae Variant Classification Sherloc (09022015). Collection method: clinical testing. Allele origin: germline.
Comment: This sequence change replaces threonine, which is neutral and polar, with alanine, which is neutral and non-polar, at codon 136 of the TUBB2A protein (p.Thr136Ala). This variant is not present in population databases (gnomAD no frequency). This variant has not been reported in the literature in individuals affected with TUBB2A-related conditions. Advanced modeling of protein sequence and biophysical properties (such as structural, functional, and spatial information, amino acid conservation, physicochemical variation, residue mobility, and thermodynamic stability) performed at Invitae indicates that this missense variant is not expected to disrupt TUBB2A protein function with a negative predictive value of 80%. In summary, the available evidence is currently insufficient to determine the role of this variant in disease. Therefore, it has been classified as a Variant of Uncertain Significance.